The following is an entry in ClinVar:

ClinVar aggregate classification (germline): Likely benign (1 of 4 stars; one submission).

Allele frequency attached by ClinVar (database versions not stated): TOPMed below 0.00001.

Submission:

GeneDx
Classification: Likely benign. Last evaluated: 2017-02-23. Review status: criteria provided, single submitter. Criteria: GeneDx Variant Classification (06012015). Collection method: clinical testing. Allele origin: germline. Affected: yes.
Comment: This variant is considered likely benign or benign based on one or more of the following criteria: it is a conservative change, it occurs at a poorly conserved position in the protein, it is predicted to be benign by multiple in silico algorithms, and/or has population frequency not consistent with disease.

NM_001347721.2(DYRK1A):c.637+8A>C

Gene: DYRK1A (dual specificity tyrosine phosphorylation regulated kinase 1A; plus strand). Cytogenetic location: 21q22.13.
Variant type: single nucleotide variant.
Coding change: c.637+8A>C on transcript NM_001347721.2 (MANE Select); 8 bases into the intron after coding-DNA position 637, A replaced by C.
Molecular consequence: intron variant.
Genome position (GRCh38, 1-based): chr21:37,486,622, A>C. VCF-style: chr21-37486622-A-C. GRCh37 (hg19) VCF-style: chr21-38858924-A-C.
Other names: c.664+8A>C (NM_001396.5, NM_101395.2, NM_130438.2); c.637+8A>C (NM_001347722.2, NM_130436.2); c.550+8A>C (NM_001347723.2).
Identifiers: ClinVar variation 507657 (VCV000507657.1), dbSNP rs1555982713, ClinGen allele CA658799435.